The following is an entry in ClinVar:

ClinVar aggregate classification (germline): Benign. Review status: criteria provided, multiple submitters, no conflicts (2 of 4 stars). 6 submissions from 6 submitters: Benign (6). Last evaluated 2026-02-04.

Conditions:
Tyrosinemia type I (TYRSN1). Also called: FAH DEFICIENCY; HEPATORENAL TYROSINEMIA; Tyrosinemia type 1; Fumarylacetoacetase deficiency; Deficiency of fumarylacetoacetase. Identifiers: Orphanet 882, MedGen C0268490, MONDO:0010161, OMIM 276700. Disease mechanism: loss of function.

Allele frequency attached by ClinVar (database versions not stated): gnomAD exomes 0.00457 and 0.01184; ExAC 0.01458; gnomAD 0.04283 and 0.04595; 1000 Genomes Project 0.04593; 1000 Genomes Project 30x 0.04809; TOPMed 0.04830; ESP Exome Variant Server 0.05082.
gnomAD v4.1: 13,322 of 1,597,466 alleles (0.83%); highest among the groups gnomAD compares: African/African-American, 15%; 921 homozygotes.

Submissions (15):

Labcorp Genetics (formerly Invitae), Labcorp
Classification: Benign for Tyrosinemia type I. Last evaluated: 2026-02-04. Review status: criteria provided, single submitter. Criteria: Invitae Variant Classification Sherloc (09022015). Collection method: clinical testing. Allele origin: germline.

Mayo Clinic Laboratories, Mayo Clinic
Classification: Benign. Last evaluated: 2023-04-03. Review status: criteria provided, single submitter. Criteria: ACMG Guidelines, 2015. Collection method: clinical testing. Allele origin: germline. Observed: 41 variant alleles.

Illumina Laboratory Services, Illumina
Classification: Benign for Tyrosinemia type I. Last evaluated: 2018-01-12. Review status: criteria provided, single submitter. Criteria: ICSL Variant Classification Criteria 13 December 2019. Collection method: clinical testing. Allele origin: germline.
Comment: This variant was observed in the ICSL laboratory as part of a predisposition screen in an ostensibly healthy population. It had not been previously curated by ICSL or reported in the Human Gene Mutation Database (HGMD: prior to June 1st, 2018), and was therefore a candidate for classification through an automated scoring system. Utilizing variant allele frequency, disease prevalence and penetrance estimates, and inheritance mode, an automated score was calculated to assess if this variant is too frequent to cause the disease. Based on the score and internal cut-off values, a variant classified as benign is not then subjected to further curation. The score for this variant resulted in a classification of benign for this disease.

GeneDx
Classification: Benign. Last evaluated: 2016-01-28. Review status: criteria provided, single submitter. Criteria: GeneDx Variant Classification (06012015). Collection method: clinical testing. Allele origin: germline. Affected: yes.
Comment: This variant is considered likely benign or benign based on one or more of the following criteria: it is a conservative change, it occurs at a poorly conserved position in the protein, it is predicted to be benign by multiple in silico algorithms, and/or has population frequency not consistent with disease.

Breakthrough Genomics
Classification: Benign. Review status: criteria provided, single submitter. Criteria: ACMG Guidelines, 2015. Collection method: not provided. Allele origin: germline. Inheritance: Autosomal recessive inheritance. Affected: yes.

PreventionGenetics, part of Exact Sciences
Classification: Benign. Review status: criteria provided, single submitter. Criteria: ACMG Guidelines, 2015. Collection method: clinical testing. Allele origin: germline.

Dr. Peter K. Rogan Lab, Western University
No classification provided (evidence only). Condition: Clear cell carcinoma of kidney. Review status: no classification provided. Collection method: in vitro. Allele origin: not applicable. Functional consequence: skipped exon. Not counted in ClinVar's aggregate classification.

Dr. Peter K. Rogan Lab, Western University
No classification provided (evidence only). Condition: Acute myeloid leukemia. Review status: no classification provided. Collection method: in vitro. Allele origin: not applicable. Functional consequence: retained intron. Not counted in ClinVar's aggregate classification.

Dr. Peter K. Rogan Lab, Western University
No classification provided (evidence only). Condition: Cervical cancer. Review status: no classification provided. Collection method: in vitro. Allele origin: not applicable. Functional consequence: retained intron. Not counted in ClinVar's aggregate classification.

Dr. Peter K. Rogan Lab, Western University
No classification provided (evidence only). Condition: Sarcoma. Review status: no classification provided. Collection method: in vitro. Allele origin: not applicable. Functional consequence: retained intron. Not counted in ClinVar's aggregate classification.

Dr. Peter K. Rogan Lab, Western University
No classification provided (evidence only). Condition: Sarcoma. Review status: no classification provided. Collection method: in vitro. Allele origin: not applicable. Functional consequence: retained intron. Not counted in ClinVar's aggregate classification.

Dr. Peter K. Rogan Lab, Western University
No classification provided (evidence only). Condition: Sarcoma. Review status: no classification provided. Collection method: in vitro. Allele origin: not applicable. Functional consequence: skipped exon. Not counted in ClinVar's aggregate classification.

Dr. Peter K. Rogan Lab, Western University
No classification provided (evidence only). Condition: Thymoma. Review status: no classification provided. Collection method: in vitro. Allele origin: not applicable. Functional consequence: retained intron. Not counted in ClinVar's aggregate classification.

Dr. Peter K. Rogan Lab, Western University
No classification provided (evidence only). Condition: Uterine carcinosarcoma. Review status: no classification provided. Collection method: in vitro. Allele origin: not applicable. Functional consequence: retained intron. Not counted in ClinVar's aggregate classification.

Dr. Peter K. Rogan Lab, Western University
No classification provided (evidence only). Condition: Uterine carcinosarcoma. Review status: no classification provided. Collection method: in vitro. Allele origin: not applicable. Functional consequence: retained intron. Not counted in ClinVar's aggregate classification.

NM_000137.4(FAH):c.1180+4A>G

Gene: FAH (fumarylacetoacetate hydrolase; plus strand). Cytogenetic location: 15q25.1.
Variant type: single nucleotide variant.
Coding change: c.1180+4A>G on transcript NM_000137.4 (MANE Select); 4 bases into the intron after coding-DNA position 1180, A replaced by G.
Molecular consequence: intron variant.
Genome position (GRCh38, 1-based): chr15:80,181,163, A>G. VCF-style: chr15-80181163-A-G. GRCh37 (hg19) VCF-style: chr15-80473505-A-G.
Other names: p.?; c.1180+4A>G (NM_000137.3, NM_001374377.1, NM_001374380.1).
Identifiers: ClinVar variation 255278 (VCV000255278.18), dbSNP rs60585303, ClinGen allele CA7691503.